The following is an entry in ClinVar:

NM_000368.5(TSC1):c.2626-9_2626-4dup

Gene: TSC1 (TSC complex subunit 1; minus strand). Cytogenetic location: 9q34.13.
Variant type: Duplication.
Coding change: c.2626-9_2626-4dup on transcript NM_000368.5 (MANE Select); 9 bases into the intron before coding-DNA position 2626 through 4 bases into the intron before coding-DNA position 2626, 6 bases duplicated (TTTTTT; older notation c.2626-9_2626-4dupTTTTTT).
Molecular consequence: intron variant.
Genome position (GRCh38, 1-based): chr9:132,897,614-132,897,619, AAAAAA duplicated on the plus strand (TTTTTT on the coding strand, the reverse complement: TSC1 is on the minus strand); duplicating any 6 consecutive bases within chr9:132,897,614-132,897,631 gives the same sequence; the c. name uses the placement nearest the transcript's 3' end. VCF-style (leftmost placement, unchanged base first): chr9-132897613-G-GAAAAAA. GRCh37 (hg19) VCF-style: chr9-135773000-G-GAAAAAA.
Other names: c.2263-9_2263-4dup (NM_001362177.2); c.2473-9_2473-4dup (NM_001162427.2); c.2623-9_2623-4dup (NM_001162426.2).
Identifiers: ClinVar variation 1692403 (VCV001692403.1), dbSNP rs5901000, ClinGen allele CA591361236.

ClinVar aggregate classification (germline): Uncertain significance (1 of 4 stars; one submission).

Conditions:
Hereditary cancer-predisposing syndrome. Also called: Hereditary Cancer Syndrome; Hereditary neoplastic syndrome; Neoplastic Syndromes, Hereditary; Tumor predisposition. Identifiers: Orphanet 140162, MedGen C0027672, MeSH D009386, MONDO:0015356.

Submission:

Sema4
Classification: Uncertain significance for Hereditary cancer-predisposing syndrome. Last evaluated: 2021-04-28. Review status: criteria provided, single submitter. Criteria: Sema4 Curation Guidelines. Collection method: curation. Allele origin: germline.
Comment: The TSC1 c.2626-9_2626-4dup variant has not been reported in the literature to our knowledge. It was not observed in the large and broad cohorts of the Genome Aggregation Database. The variant has not been reported in ClinVar. In silico tools suggest that the variant does not impact splicing, though these predictions have not been confirmed by functional studies. The evidence is insufficient to meet ACMG/AMP criteria for classifying the variant as benign or pathogenic. Thus, the clinical significance of this variant is currently uncertain.